The following is an entry in ClinVar:

NM_000179.3(MSH6):c.1652G>A (p.Gly551Asp)

Gene: MSH6 (mutS homolog 6; plus strand). Cytogenetic location: 2p16.3.
Variant type: single nucleotide variant.
Coding change: c.1652G>A on transcript NM_000179.3 (MANE Select); coding-DNA position 1652, G replaced by A.
Protein change: p.Gly551Asp; replaces glycine 551 with aspartic acid.
Molecular consequence: missense variant.
Genome position (GRCh38, 1-based): chr2:47,799,635, G>A. VCF-style: chr2-47799635-G-A. GRCh37 (hg19) VCF-style: chr2-48026774-G-A.
Other names: p.G551D:GGC>GAC; c.1262G>A, p.Gly421Asp (NM_001281492.2); c.746G>A, p.Gly249Asp (NM_001281493.2, NM_001281494.2); short protein forms G551D, G249D, G421D.
Identifiers: ClinVar variation 127562 (VCV000127562.26), dbSNP rs587779917, ClinGen allele CA009006.

ClinVar aggregate classification (germline): Conflicting classifications of pathogenicity. Review status: criteria provided, conflicting classifications (1 of 4 stars). 9 submissions from 9 submitters: Uncertain significance (7); Benign (1). 1 of the submissions does not count toward it. Last evaluated 2025-10-09.

Conditions:
Hereditary nonpolyposis colorectal neoplasms. Identifiers: MedGen C0009405, MeSH D003123.
Hereditary cancer-predisposing syndrome. Also called: Hereditary Cancer Syndrome; Hereditary neoplastic syndrome; Tumor predisposition; Neoplastic Syndromes, Hereditary. Identifiers: Orphanet 140162, MedGen C0027672, MeSH D009386, MONDO:0015356.
Lynch syndrome. Identifiers: Orphanet 144, MedGen C4552100, MONDO:0005835. Disease mechanism: loss of function.
Lynch syndrome 5 (LYNCH5). Also called: Colorectal cancer, hereditary nonpolyposis, type 5; Hereditary non-polyposis colorectal cancer, type 5. Identifiers: Orphanet 144, MedGen C1833477, MONDO:0013710, OMIM 614350. Disease mechanism: loss of function.
Endometrial carcinoma. Also called: Endometrial carcinoma, somatic. Identifiers: MedGen C0476089, MONDO:0002447, OMIM 608089, HP:0012114.

Allele frequency attached by ClinVar (database versions not stated): gnomAD 0.00001; gnomAD exomes 0.00001; TOPMed 0.00001.
gnomAD v4.1: 15 of 1,613,940 alleles (0.00093%); highest among the groups gnomAD compares: African/African-American, 0.0013%; no homozygotes.

Submissions (9):

Labcorp Genetics (formerly Invitae), Labcorp
Classification: Benign for Hereditary nonpolyposis colorectal neoplasms. Last evaluated: 2025-10-09. Review status: criteria provided, single submitter. Criteria: Invitae Variant Classification Sherloc (09022015). Collection method: clinical testing. Allele origin: germline.

Color Diagnostics, LLC DBA Color Health
Classification: Uncertain significance for Hereditary cancer-predisposing syndrome. Last evaluated: 2025-07-21. Review status: criteria provided, single submitter. Criteria: ACMG Guidelines, 2015. Collection method: clinical testing. Allele origin: germline.
Comment: This missense variant replaces glycine with aspartic acid at codon 551 of the MSH6 protein. Computational prediction suggests that this variant may have deleterious impact on protein structure and function. To our knowledge, functional studies have not been reported for this variant. This variant has not been reported in individuals affected with MSH6-related disorders in the literature. This variant has not been identified in the general population by the Genome Aggregation Database (gnomAD). The available evidence is insufficient to determine the role of this variant in disease conclusively. Therefore, this variant is classified as a Variant of Uncertain Significance.

GeneDx
Classification: Uncertain significance. Last evaluated: 2025-03-20. Review status: criteria provided, single submitter. Criteria: GeneDx Variant Classification Process June 2021. Collection method: clinical testing. Allele origin: germline. Affected: yes.
Comment: Not observed at significant frequency in large population cohorts (gnomAD); In silico analysis supports that this missense variant has a deleterious effect on protein structure/function; Observed in patients undergoing multi-gene testing for hereditary cancer (PMID: 34326862); This variant is associated with the following publications: (PMID: 17531815, 21120944, 34326862)

Ambry Genetics
Classification: Uncertain significance for Hereditary cancer-predisposing syndrome. Last evaluated: 2024-06-14. Review status: criteria provided, single submitter. Criteria: Ambry Variant Classification Scheme 2023. Collection method: clinical testing. Allele origin: germline.
Comment: The p.G551D variant (also known as c.1652G>A), located in coding exon 4 of the MSH6 gene, results from a G to A substitution at nucleotide position 1652. The glycine at codon 551 is replaced by aspartic acid, an amino acid with similar properties. This amino acid position is highly conserved in available vertebrate species. In addition, this alteration is predicted to be deleterious by in silico analysis. Since supporting evidence is limited at this time, the clinical significance of this alteration remains unclear.

Baylor Genetics
Classification: Uncertain significance for Endometrial carcinoma. Last evaluated: 2024-02-02. Review status: criteria provided, single submitter. Criteria: ACMG Guidelines, 2015. Collection method: clinical testing. Allele origin: unknown.

All of Us Research Program, National Institutes of Health
Classification: Uncertain significance for Lynch syndrome. Last evaluated: 2023-12-01. Review status: criteria provided, single submitter. Criteria: ACMG Guidelines, 2015. Collection method: clinical testing. Allele origin: germline. Inheritance: Autosomal dominant inheritance. Observed: 4 variant alleles, 4 heterozygotes.
Comment: This missense variant replaces glycine with aspartic acid at codon 551 of the MSH6 protein. Computational prediction suggests that this variant may have deleterious impact on protein structure and function (internally defined REVEL score threshold >= 0.7, PMID: 27666373). To our knowledge, functional studies have not been reported for this variant. This variant has not been reported in individuals affected with MSH6-related disorders in the literature. This variant has not been identified in the general population by the Genome Aggregation Database (gnomAD). The available evidence is insufficient to determine the role of this variant in disease conclusively. Therefore, this variant is classified as a Variant of Uncertain Significance.

This study involves interpretation of variants in research participants for the purpose of population health screening. Participant phenotype was not available at the time of variant classification. Additional details can be found in publication PMID: 35346344, PMCID: PMC8962531

Myriad Genetics, Inc.
Classification: Uncertain significance for Lynch syndrome 5. Last evaluated: 2023-03-29. Review status: criteria provided, single submitter. Criteria: Myriad Autosomal Dominant, Autosomal Recessive and X-Linked Classification Criteria (2023). Collection method: clinical testing. Allele origin: unknown.
Comment: This variant is classified as a variant of uncertain significance as there is insufficient evidence to determine its impact on protein function and/or cancer risk.

Quest Diagnostics Nichols Institute San Juan Capistrano
Classification: Uncertain significance. Last evaluated: 2023-02-09. Review status: criteria provided, single submitter. Criteria: Quest Diagnostics criteria. Collection method: clinical testing. Allele origin: unknown.
Comment: The frequency of this variant in the general population, 0.000017 (2/114496 chromosomes), is uninformative in assessment of its pathogenicity. In the published literature, the variant has been reported in the somatic state in an individual with cutaneous squamous cell carcinoma (PMID: 25303977 (2014)). Analysis of this variant using bioinformatics tools for the prediction of the effect of amino acid changes on protein structure and function yielded predictions that this variant is damaging. Based on the available information, we are unable to determine the clinical significance of this variant.

Counsyl
Classification: Uncertain significance for Lynch syndrome 5. Last evaluated: 2018-01-29. Review status: no assertion criteria provided. Collection method: clinical testing. Allele origin: unknown. Not counted in ClinVar's aggregate classification.

Literature cited by the submitters: PubMed 25303977 (cited by Quest Diagnostics Nichols Institute San Juan Capistrano and Counsyl).